The following is an entry in ClinVar:

ClinVar aggregate classification (germline): Benign. Review status: criteria provided, multiple submitters, no conflicts (2 of 4 stars). 9 submissions from 8 submitters: Benign (9). Last evaluated 2026-02-04.

Conditions:
Megalencephalic leukoencephalopathy with subcortical cysts. Also called: VAN DER KNAAP DISEASE. Identifiers: Orphanet 2478, MedGen C1858854, MONDO:0011391.
Megalencephalic leukoencephalopathy with subcortical cysts 2B, remitting, with or without impaired intellectual development. Also called: Megalencephalic leukoencephalopathy with subcortical cysts 2B, remitting, with or without intellectual disability. Identifiers: Orphanet 2478, MedGen C3151356, MONDO:0013491, OMIM 613926.
Megalencephalic leukoencephalopathy with subcortical cysts 2A. Identifiers: Orphanet 2478, MedGen C3151355, MONDO:0013490, OMIM 613925.

Allele frequency attached by ClinVar (database versions not stated): 1000 Genomes Project 30x 0.13648; gnomAD 0.20834; ESP Exome Variant Server 0.22262; 1000 Genomes Project 0.13598; TOPMed 0.19515.

Submissions (9):

Labcorp Genetics (formerly Invitae), Labcorp
Classification: Benign. Last evaluated: 2026-02-04. Review status: criteria provided, single submitter. Criteria: Invitae Variant Classification Sherloc (09022015). Collection method: clinical testing. Allele origin: germline.

Blueprint Genetics
Classification: Benign. Last evaluated: 2024-11-27. Review status: criteria provided, single submitter. Criteria: ACMG Guidelines, 2015. Collection method: clinical testing. Allele origin: germline.

Mayo Clinic Laboratories, Mayo Clinic
Classification: Benign. Last evaluated: 2022-03-24. Review status: criteria provided, single submitter. Criteria: ACMG Guidelines, 2015. Collection method: clinical testing. Allele origin: germline. Observed: 209 variant alleles.

Genome-Nilou Lab
Classification: Benign for Megalencephalic leukoencephalopathy with subcortical cysts 2A. Last evaluated: 2021-08-10. Review status: criteria provided, single submitter. Criteria: ACMG Guidelines, 2015. Collection method: clinical testing. Allele origin: germline. Affected: no.

Genome-Nilou Lab
Classification: Benign for Megalencephalic leukoencephalopathy with subcortical cysts 2B, remitting, with or without impaired intellectual development. Last evaluated: 2021-08-10. Review status: criteria provided, single submitter. Criteria: ACMG Guidelines, 2015. Collection method: clinical testing. Allele origin: germline. Affected: no.

GeneDx
Classification: Benign. Last evaluated: 2018-07-21. Review status: criteria provided, single submitter. Criteria: GeneDx Variant Classification Process June 2021. Collection method: clinical testing. Allele origin: germline. Affected: yes.

Illumina Laboratory Services, Illumina
Classification: Benign for Megalencephalic leukoencephalopathy with subcortical cysts. Last evaluated: 2018-01-13. Review status: criteria provided, single submitter. Criteria: ICSL Variant Classification Criteria 13 December 2019. Collection method: clinical testing. Allele origin: germline.
Comment: This variant was observed in the ICSL laboratory as part of a predisposition screen in an ostensibly healthy population. It had not been previously curated by ICSL or reported in the Human Gene Mutation Database (HGMD: prior to June 1st, 2018), and was therefore a candidate for classification through an automated scoring system. Utilizing variant allele frequency, disease prevalence and penetrance estimates, and inheritance mode, an automated score was calculated to assess if this variant is too frequent to cause the disease. Based on the score and internal cut-off values, a variant classified as benign is not then subjected to further curation. The score for this variant resulted in a classification of benign for this disease.

Breakthrough Genomics
Classification: Benign. Review status: criteria provided, single submitter. Criteria: ACMG Guidelines, 2015. Collection method: not provided. Allele origin: germline. Inheritance: Autosomal recessive inheritance. Affected: yes.

PreventionGenetics, part of Exact Sciences
Classification: Benign. Review status: criteria provided, single submitter. Criteria: ACMG Guidelines, 2015. Collection method: clinical testing. Allele origin: germline.

NM_152722.5(HEPACAM):c.618C>T (p.Arg206=)

Gene: HEPACAM (hepatic and glial cell adhesion molecule; minus strand). Cytogenetic location: 11q24.2.
Variant type: single nucleotide variant.
Coding change: c.618C>T on transcript NM_152722.5 (MANE Select); coding-DNA position 618, C replaced by T.
Protein change: p.Arg206=; no amino-acid change (arginine 206 retained).
Molecular consequence: synonymous variant.
Genome position (GRCh38, 1-based): chr11:124,923,820, G>A on the plus strand (C>T on the coding strand, the complement: HEPACAM is on the minus strand). VCF-style: chr11-124923820-G-A. GRCh37 (hg19) VCF-style: chr11-124793716-G-A.
Other names: p.Arg206=.
Identifiers: ClinVar variation 262680 (VCV000262680.19), dbSNP rs10790716, ClinGen allele CA6345702.